The following is an entry in ClinVar:

NM_144991.3(TSPEAR):c.1150-21_1150-4del

Gene: TSPEAR (thrombospondin type laminin G domain and EAR repeats; minus strand). Cytogenetic location: 21q22.3.
Variant type: Deletion.
Coding change: c.1150-21_1150-4del on transcript NM_144991.3 (MANE Select); 21 bases into the intron before coding-DNA position 1150 through 4 bases into the intron before coding-DNA position 1150, 18 bases deleted (TCCCGGTTTACTCTCTTT).
Molecular consequence: intron variant.
Genome position (GRCh38, 1-based): chr21:44,525,843-44,525,860, AAAGAGAGTAAACCGGGA deleted on the plus strand (TCCCGGTTTACTCTCTTT on the coding strand, the reverse complement: TSPEAR is on the minus strand). VCF-style (leftmost placement, unchanged base first): chr21-44525842-GAAAGAGAGTAAACCGGGA-G. GRCh37 (hg19) VCF-style: chr21-45945725-GAAAGAGAGTAAACCGGGA-G.
Other names: c.946-21_946-4del (NM_001272037.2).
Identifiers: ClinVar variation 2005875 (VCV002005875.4), dbSNP rs1555914889, ClinGen allele CA638495261.

ClinVar aggregate classification (germline): Uncertain significance (1 of 4 stars; one submission).

Allele frequency attached by ClinVar (database versions not stated): gnomAD exomes below 0.00001.

Submission:

Labcorp Genetics (formerly Invitae), Labcorp
Classification: Uncertain significance. Last evaluated: 2022-06-13. Review status: criteria provided, single submitter. Criteria: Invitae Variant Classification Sherloc (09022015). Collection method: clinical testing. Allele origin: germline.
Comment: In summary, the available evidence is currently insufficient to determine the role of this variant in disease. Therefore, it has been classified as a Variant of Uncertain Significance. Algorithms developed to predict the effect of sequence changes on RNA splicing suggest that this variant may disrupt the consensus splice site. This sequence change falls in intron 7 of the TSPEAR gene. It does not directly change the encoded amino acid sequence of the TSPEAR protein. This variant is present in population databases (no rsID available, gnomAD 0.0009%). This variant has not been reported in the literature in individuals affected with TSPEAR-related conditions.